The following is an entry in ClinVar:

NM_018972.4(GDAP1):c.363ACA[1] (p.Gln122del)

Gene: GDAP1 (ganglioside induced differentiation associated protein 1; plus strand). Cytogenetic location: 8q21.11.
Variant type: Microsatellite.
Coding change: c.363ACA[1] on transcript NM_018972.4 (MANE Select); one copy of the 3-base unit ACA starting at c.363; the reference has two copies in a row; one copy, 3 bases deleted.
Protein change: p.Gln122del; deletes glutamine 122.
Molecular consequence: inframe deletion. On other transcripts: inframe indel (2), intron variant (1).
Genome position (GRCh38, 1-based): chr8:74,360,192-74,360,194, ACA deleted; deleting any 3 consecutive bases within chr8:74,360,189-74,360,194 gives the same sequence; the position shown is the placement nearest the transcript's 3' end. VCF-style (leftmost placement, unchanged base first): chr8-74360188-TACA-T. GRCh37 (hg19) VCF-style: chr8-75272423-TACA-T.
Other names: c.159ACA[1], p.Gln54del (NM_001040875.4); c.36ACA[1], p.Gln13del (NM_001362929.2, NM_001362932.2); c.363ACA[1], p.Gln122del (NM_001362931.2); c.363_365ACA[1], p.Gln122del (NM_018972.2); c.311-1692_311-1690del (NM_001362930.2); c.366_368delACA (NM_018972.2); short protein forms Q122del, Q54del, Q13del.
Identifiers: ClinVar variation 1733678 (VCV001733678.7), dbSNP rs1809289667, ClinGen allele CA1794115617.

ClinVar aggregate classification (germline): Uncertain significance. Review status: criteria provided, multiple submitters, no conflicts (2 of 4 stars). 2 submissions from 2 submitters: Uncertain significance (2). Last evaluated 2022-07-01.

Conditions:
Inborn genetic diseases. Identifiers: MedGen C0950123, MeSH D030342.
Charcot-Marie-Tooth disease type 4A. Also called: Charcot-Marie-Tooth disease, demyelinating, autosomal recessive, type 4a. Identifiers: Orphanet 99948, MedGen C1859198, MONDO:0008961, OMIM 214400.

Submissions (2):

Labcorp Genetics (formerly Invitae), Labcorp
Classification: Uncertain significance for Charcot-Marie-Tooth disease type 4A. Last evaluated: 2022-07-01. Review status: criteria provided, single submitter. Criteria: Invitae Variant Classification Sherloc (09022015). Collection method: clinical testing. Allele origin: germline.
Comment: In summary, the available evidence is currently insufficient to determine the role of this variant in disease. Therefore, it has been classified as a Variant of Uncertain Significance. Experimental studies and prediction algorithms are not available or were not evaluated, and the functional significance of this variant is currently unknown. This variant has not been reported in the literature in individuals affected with GDAP1-related conditions. This variant is not present in population databases (gnomAD no frequency). This variant, c.366_368del, results in the deletion of 1 amino acid(s) of the GDAP1 protein (p.Gln122del), but otherwise preserves the integrity of the reading frame.

Ambry Genetics
Classification: Uncertain significance for Inborn genetic diseases. Last evaluated: 2020-12-08. Review status: criteria provided, single submitter. Criteria: Ambry Variant Classification Scheme 2023. Collection method: clinical testing. Allele origin: germline.
Comment: The c.366_368delACA variant (also known as p.Q122del) is located in coding exon 3 of the GDAP1 gene. This variant results from an in-frame ACA deletion at nucleotide positions 366 to 368. This results in the in-frame deletion of a glutamine at codon 122. This amino acid position is highly conserved in available vertebrate species. Since supporting evidence is limited at this time, the clinical significance of this alteration remains unclear.